The following is an entry in ClinVar:

ClinVar aggregate classification (germline): Conflicting classifications of pathogenicity. Review status: criteria provided, conflicting classifications (1 of 4 stars). 3 submissions from 3 submitters: Uncertain significance (1); Likely benign (2). Last evaluated 2025-10-29.

Conditions:
Myopathy, proximal, and ophthalmoplegia (CMYO6). Also called: CONGENITAL MYOPATHY 6 WITH OPHTHALMOPLEGIA; MYOPATHY WITH CONGENITAL JOINT CONTRACTURES, OPHTHALMOPLEGIA, AND RIMMED VACUOLES; INCLUSION BODY MYOPATHY 3, AUTOSOMAL DOMINANT. Identifiers: Orphanet 363677, Orphanet 79091, MedGen C1854106, MONDO:0011577, OMIM 605637.

Allele frequency attached by ClinVar (database versions not stated): gnomAD exomes 0.00007 and 0.00018; ExAC 0.00008; gnomAD 0.00010; TOPMed 0.00010; ESP Exome Variant Server 0.00031.

Submissions (3):

Labcorp Genetics (formerly Invitae), Labcorp
Classification: Likely benign for Myopathy, proximal, and ophthalmoplegia. Last evaluated: 2025-10-29. Review status: criteria provided, single submitter. Criteria: Invitae Variant Classification Sherloc (09022015). Collection method: clinical testing. Allele origin: germline.

CeGaT Center for Human Genetics Tuebingen
Classification: Likely benign. Last evaluated: 2022-09-01. Review status: criteria provided, single submitter. Criteria: CeGaT Center For Human Genetics Tuebingen Variant Classification Criteria Version 2. Collection method: clinical testing. Allele origin: germline. Affected: yes. Observed: 1 variant allele.
Comment: MYH2: BP4, BP7

Eurofins Ntd Llc (ga)
Classification: Uncertain significance. Last evaluated: 2017-02-20. Review status: criteria provided, single submitter. Criteria: EGL Classification Definitions 2015. Collection method: clinical testing. Allele origin: germline. Observed: 1 variant allele, 1 heterozygote.

NM_017534.6(MYH2):c.1959G>A (p.Val653=)

Genes: MYH2 (myosin heavy chain 2; minus strand), MYHAS (myosin heavy chain gene cluster antisense RNA; plus strand). Cytogenetic location: 17p13.1.
Variant type: single nucleotide variant.
Coding change: c.1959G>A on transcript NM_017534.6 (MANE Select); coding-DNA position 1959, G replaced by A.
Protein change: p.Val653=; no amino-acid change (valine 653 retained).
Molecular consequence: synonymous variant.
Genome position (GRCh38, 1-based): chr17:10,536,545, C>T on the plus strand (G>A on the coding strand, the complement: MYH2 is on the minus strand). VCF-style: chr17-10536545-C-T. GRCh37 (hg19) VCF-style: chr17-10439862-C-T.
Other names: c.1959G>A, p.Val653= (NM_001100112.2).
Identifiers: ClinVar variation 500338 (VCV000500338.38), dbSNP rs376346567, ClinGen allele CA8391257.